The following is an entry in ClinVar:

ClinVar aggregate classification (germline): Uncertain significance. Review status: criteria provided, multiple submitters, no conflicts (2 of 4 stars). 3 submissions from 3 submitters: Uncertain significance (3). Last evaluated 2026-06-08.

Conditions:
Hereditary cancer-predisposing syndrome. Also called: Tumor predisposition; Neoplastic Syndromes, Hereditary; Hereditary Cancer Syndrome; Hereditary neoplastic syndrome. Identifiers: Orphanet 140162, MedGen C0027672, MeSH D009386, MONDO:0015356.
Retinoblastoma (RB1). Also called: RETINOBLASTOMA, SOMATIC. Identifiers: Orphanet 790, MedGen C0035335, MeSH D012175, MONDO:0008380, OMIM 180200, HP:0009919. Disease mechanism: loss of function. Inheritance: Both sporadic and heritable forms are tested..

Submissions (3):

Ambry Genetics
Classification: Uncertain significance for Hereditary cancer-predisposing syndrome. Last evaluated: 2026-06-08. Review status: criteria provided, single submitter. Criteria: Ambry Variant Classification Scheme 2023. Collection method: clinical testing. Allele origin: germline.
Comment: The p.S829T variant (also known as c.2485T>A), located in coding exon 23 of the RB1 gene, results from a T to A substitution at nucleotide position 2485. The serine at codon 829 is replaced by threonine, an amino acid with similar properties. This amino acid position is conserved. In addition, this alteration is predicted to be tolerated by in silico analysis. Based on the available evidence, the clinical significance of this variant remains unclear.

Labcorp Genetics (formerly Invitae), Labcorp
Classification: Uncertain significance for Retinoblastoma. Last evaluated: 2024-07-04. Review status: criteria provided, single submitter. Criteria: Invitae Variant Classification Sherloc (09022015). Collection method: clinical testing. Allele origin: germline.
Comment: This sequence change replaces serine, which is neutral and polar, with threonine, which is neutral and polar, at codon 829 of the RB1 protein (p.Ser829Thr). This variant is not present in population databases (gnomAD no frequency). This variant has not been reported in the literature in individuals affected with RB1-related conditions. ClinVar contains an entry for this variant (Variation ID: 1506754). Advanced modeling of protein sequence and biophysical properties (such as structural, functional, and spatial information, amino acid conservation, physicochemical variation, residue mobility, and thermodynamic stability) performed at Invitae indicates that this missense variant is not expected to disrupt RB1 protein function with a negative predictive value of 80%. In summary, the available evidence is currently insufficient to determine the role of this variant in disease. Therefore, it has been classified as a Variant of Uncertain Significance.

All of Us Research Program, National Institutes of Health
Classification: Uncertain significance for Retinoblastoma. Last evaluated: 2023-06-26. Review status: criteria provided, single submitter. Criteria: ACMG Guidelines, 2015. Collection method: clinical testing. Allele origin: germline. Inheritance: Autosomal dominant inheritance. Observed: 1 variant allele, 1 heterozygote.
Comment: This missense variant replaces serine with threonine at codon 829 of the RB1 protein. Computational prediction suggests that this variant may not impact protein structure and function (internally defined REVEL score threshold <= 0.5, PMID: 27666373). To our knowledge, functional studies have not been reported for this variant. This variant has not been reported in individuals affected with RB1-related disorders in the literature. This variant has not been identified in the general population by the Genome Aggregation Database (gnomAD). The available evidence is insufficient to determine the role of this variant in disease conclusively. Therefore, this variant is classified as a Variant of Uncertain Significance.

This study involves interpretation of variants in research participants for the purpose of population health screening. Participant phenotype was not available at the time of variant classification. Additional details can be found in publication PMID: 35346344, PMCID: PMC8962531

NM_000321.3(RB1):c.2485T>A (p.Ser829Thr)

Gene: RB1 (RB transcriptional corepressor 1; plus strand). Cytogenetic location: 13q14.2.
Variant type: single nucleotide variant.
Coding change: c.2485T>A on transcript NM_000321.3 (MANE Select); coding-DNA position 2485, T replaced by A.
Protein change: p.Ser829Thr; replaces serine 829 with threonine.
Molecular consequence: missense variant.
Genome position (GRCh38, 1-based): chr13:48,465,364, T>A. VCF-style: chr13-48465364-T-A. GRCh37 (hg19) VCF-style: chr13-49039500-T-A.
Other names: c.2485T>A (NM_000321.2); short protein forms S829T.
Identifiers: ClinVar variation 1506754 (VCV001506754.10), dbSNP rs2138346264, ClinGen allele CA388168082.